The following is an entry in ClinVar:

NM_000136.3(FANCC):c.-85C>T

Gene: FANCC (FA complementation group C; minus strand). Cytogenetic location: 9q22.32.
Variant type: single nucleotide variant.
Coding change: c.-85C>T on transcript NM_000136.3 (MANE Select); 85 bases upstream of the start codon, C replaced by T.
Molecular consequence: 5 prime UTR variant.
Genome position (GRCh38, 1-based): chr9:95,317,532, G>A on the plus strand (C>T on the coding strand, the complement: FANCC is on the minus strand). VCF-style: chr9-95317532-G-A. GRCh37 (hg19) VCF-style: chr9-98079814-G-A.
Other names: c.-85C>T (NM_001243744.2).
Identifiers: ClinVar variation 234496 (VCV000234496.3), dbSNP rs876661052, ClinGen allele CA10577385.

ClinVar aggregate classification (germline): Likely benign. Review status: criteria provided, single submitter (1 of 4 stars). 2 submissions from 2 submitters: Likely benign (1). 1 of the submissions does not count toward it. Last evaluated 2017-09-13.

Conditions:
FANCC-related disorder. Also called: FANCC-related condition.

Allele frequency attached by ClinVar (database versions not stated): TOPMed 0.00003; gnomAD 0.00005.

Submissions (2):

GeneDx
Classification: Likely benign. Last evaluated: 2017-09-13. Review status: criteria provided, single submitter. Criteria: GeneDx Variant Classification (06012015). Collection method: clinical testing. Allele origin: germline. Affected: yes.
Comment: This variant is considered likely benign or benign based on one or more of the following criteria: it is a conservative change, it occurs at a poorly conserved position in the protein, it is predicted to be benign by multiple in silico algorithms, and/or has population frequency not consistent with disease.

PreventionGenetics, part of Exact Sciences
Classification: Likely benign for FANCC-related condition. Last evaluated: 2022-08-16. Review status: no assertion criteria provided. Collection method: clinical testing. Allele origin: germline. Not counted in ClinVar's aggregate classification.
Comment: This variant is classified as likely benign based on ACMG/AMP sequence variant interpretation guidelines (Richards et al. 2015 PMID: 25741868, with internal and published modifications).